The following is an entry in ClinVar:

ClinVar aggregate classification (germline): Uncertain significance. Review status: criteria provided, multiple submitters, no conflicts (2 of 4 stars). 2 submissions from 2 submitters: Uncertain significance (2). Last evaluated 2024-09-06.

Conditions:
Hypertrophic cardiomyopathy 14. Identifiers: MedGen C2750467, MONDO:0013197, OMIM 613251.

Allele frequency attached by ClinVar (database versions not stated): gnomAD 0.00001 and 0.00003; gnomAD exomes 0.00002; TOPMed 0.00002; ExAC 0.00004.
gnomAD v4.1: 30 of 1,612,668 alleles (0.0019%); highest among the groups gnomAD compares: Non-Finnish European, 0.0025%; no homozygotes.

Submissions (2):

Labcorp Genetics (formerly Invitae), Labcorp
Classification: Uncertain significance for Hypertrophic cardiomyopathy 14. Last evaluated: 2024-09-06. Review status: criteria provided, single submitter. Criteria: Invitae Variant Classification Sherloc (09022015). Collection method: clinical testing. Allele origin: germline.
Comment: This sequence change replaces histidine, which is basic and polar, with glutamine, which is neutral and polar, at codon 252 of the MYH6 protein (p.His252Gln). This variant is present in population databases (rs750341311, gnomAD 0.004%). This missense change has been observed in individual(s) with transposition of the great arteries, sudden infant death syndrome, and left ventricular noncompaction (PMID: 20656787, 26350513, 33082984). ClinVar contains an entry for this variant (Variation ID: 537949). Invitae Evidence Modeling of protein sequence and biophysical properties (such as structural, functional, and spatial information, amino acid conservation, physicochemical variation, residue mobility, and thermodynamic stability) indicates that this missense variant is not expected to disrupt MYH6 protein function with a negative predictive value of 80%. Experimental studies are conflicting or provide insufficient evidence to determine the effect of this variant on MYH6 function (PMID: 20656787). In summary, the available evidence is currently insufficient to determine the role of this variant in disease. Therefore, it has been classified as a Variant of Uncertain Significance.

AiLife Diagnostics
Classification: Uncertain significance. Last evaluated: 2021-12-15. Review status: criteria provided, single submitter. Criteria: ACMG Guidelines, 2015. Collection method: clinical testing. Allele origin: germline. Affected: yes. Observed: 1 variant allele.

Literature cited by the submitters: PubMed 20656787 (cited by Labcorp Genetics (formerly Invitae), Labcorp and AiLife Diagnostics); PubMed 26350513 (cited by Labcorp Genetics (formerly Invitae), Labcorp and AiLife Diagnostics); PubMed 33082984 (cited by Labcorp Genetics (formerly Invitae), Labcorp and AiLife Diagnostics).

NM_002471.4(MYH6):c.756C>G (p.His252Gln)

Gene: MYH6 (myosin heavy chain 6; minus strand). Cytogenetic location: 14q11.2.
Variant type: single nucleotide variant.
Coding change: c.756C>G on transcript NM_002471.4 (MANE Select); coding-DNA position 756, C replaced by G.
Protein change: p.His252Gln; replaces histidine 252 with glutamine.
Molecular consequence: missense variant.
Genome position (GRCh38, 1-based): chr14:23,403,758, G>C on the plus strand (C>G on the coding strand, the complement: MYH6 is on the minus strand). VCF-style: chr14-23403758-G-C. GRCh37 (hg19) VCF-style: chr14-23872967-G-C.
Other names: short protein forms H252Q.
Identifiers: ClinVar variation 537949 (VCV000537949.9), dbSNP rs750341311, ClinGen allele CA7116035.